The following is an entry in ClinVar:

NM_012062.5(DNM1L):c.619+7A>T

Gene: DNM1L (dynamin 1 like; plus strand). Cytogenetic location: 12p11.21.
Variant type: single nucleotide variant.
Coding change: c.619+7A>T on transcript NM_012062.5 (MANE Select); 7 bases into the intron after coding-DNA position 619, A replaced by T.
Molecular consequence: intron variant.
Genome position (GRCh38, 1-based): chr12:32,713,378, A>T. VCF-style: chr12-32713378-A-T. GRCh37 (hg19) VCF-style: chr12-32866312-A-T.
Other names: c.658+7A>T (NM_001278464.2, NM_001278465.2, NM_001330380.2); c.131+5965A>T (NM_001278466.2); c.619+7A>T (NM_001278463.2, NM_012063.4, NM_005690.5).
Identifiers: ClinVar variation 1413770 (VCV001413770.8), dbSNP rs775615240, ClinGen allele CA6507376.

ClinVar aggregate classification (germline): Uncertain significance (1 of 4 stars; one submission).

Allele frequency attached by ClinVar (database versions not stated): ExAC 0.00002; gnomAD 0.00002; gnomAD exomes 0.00002 and 0.00003; TOPMed 0.00003.
gnomAD v4.1: 41 of 1,613,660 alleles (0.0025%); highest among the groups gnomAD compares: Admixed American, 0.0067%; no homozygotes.

Submission:

Labcorp Genetics (formerly Invitae), Labcorp
Classification: Uncertain significance. Last evaluated: 2025-11-18. Review status: criteria provided, single submitter. Criteria: Invitae Variant Classification Sherloc (09022015). Collection method: clinical testing. Allele origin: germline.
Comment: This sequence change falls in intron 6 of the DNM1L gene. It does not directly change the encoded amino acid sequence of the DNM1L protein. This variant is present in population databases (rs775615240, gnomAD 0.005%). This variant has not been reported in the literature in individuals affected with DNM1L-related conditions. ClinVar contains an entry for this variant (Variation ID: 1413770). Algorithms developed to predict the effect of sequence changes on RNA splicing suggest that this variant may create or strengthen a splice site. In summary, the available evidence is currently insufficient to determine the role of this variant in disease. Therefore, it has been classified as a Variant of Uncertain Significance.